The following is an entry in ClinVar:

ClinVar aggregate classification (germline): Benign. Review status: criteria provided, single submitter (1 of 4 stars). 2 submissions from 2 submitters: Benign (1). 1 of the submissions does not count toward it. Last evaluated 2022-09-29.

Conditions:
KNG1-related disorder. Also called: KNG1-related condition.

Allele frequency attached by ClinVar (database versions not stated): 1000 Genomes Project 0.24401; ESP Exome Variant Server 0.27687; gnomAD 0.27796; TOPMed 0.28243; ExAC 0.30232; 1000 Genomes Project 30x 0.24563; gnomAD exomes 0.31336.
gnomAD v4.1: 498,579 of 1,609,830 alleles (31%); highest among the groups gnomAD compares: Admixed American, 40%; 79,781 homozygotes.

Submissions (2):

Mayo Clinic Laboratories, Mayo Clinic
Classification: Benign. Last evaluated: 2022-09-29. Review status: criteria provided, single submitter. Criteria: ACMG Guidelines, 2015. Collection method: clinical testing. Allele origin: germline. Observed: 251 variant alleles.

PreventionGenetics, part of Exact Sciences
Classification: Benign for KNG1-related condition. Last evaluated: 2019-10-17. Review status: no assertion criteria provided. Collection method: clinical testing. Allele origin: germline. Not counted in ClinVar's aggregate classification.
Comment: This variant is classified as benign based on ACMG/AMP sequence variant interpretation guidelines (Richards et al. 2015 PMID: 25741868, with internal and published modifications).

NM_001102416.3(KNG1):c.324G>A (p.Thr108=)

Gene: KNG1 (kininogen 1; plus strand). Cytogenetic location: 3q27.3.
Variant type: single nucleotide variant.
Coding change: c.324G>A on transcript NM_001102416.3 (MANE Select); coding-DNA position 324, G replaced by A.
Protein change: p.Thr108=; no amino-acid change (threonine 108 retained).
Molecular consequence: synonymous variant.
Genome position (GRCh38, 1-based): chr3:186,722,454, G>A. VCF-style: chr3-186722454-G-A. GRCh37 (hg19) VCF-style: chr3-186440243-G-A.
Other names: p.Thr108=; c.324G>A, p.Thr108= (NM_000893.4, NM_001166451.2).
Identifiers: ClinVar variation 3059276 (VCV003059276.3), dbSNP rs1469859, ClinGen allele CA2746104.
Genomic context (GRCh38, chr3:186,722,454, plus strand): 5'-ATCTGAAAGATTAAGATAAATGATCTCTTTCTTTTCTTTTTAGGCCACTGGAGAATGCAC[G>A]GCAACCGTGGGGAAGAGGAGCAGTACGAAATTCTCCGTGGCTACCCAGACCTGCCAGATT-3'
Protein context (NP_001095886.1, residues 98-118): DAAKAATGEC[Thr108=]ATVGKRSSTK